The following is an entry in ClinVar:

ClinVar aggregate classification (germline): Pathogenic (1 of 4 stars; one submission).

Submission:

Labcorp Genetics (formerly Invitae), Labcorp
Classification: Pathogenic. Last evaluated: 2022-10-04. Review status: criteria provided, single submitter. Criteria: Invitae Variant Classification Sherloc (09022015). Collection method: clinical testing. Allele origin: germline.
Comment: A gross deletion of the genomic region encompassing the full coding sequence of the SMARCB1 gene has been identified. Loss-of-function variants in SMARCB1 are known to be pathogenic (PMID: 10521299, 21208904). The boundaries of this event are unknown as they extend beyond the assayed region for this gene and therefore may encompass additional genes. A similar copy number variant has been observed in individual(s) with rhabdoid tumor (PMID: 21208904, 21412926, 22814326, 23154773, 24123847, 24933152, 27092963). For these reasons, this variant has been classified as Pathogenic.

Literature cited by the submitters: PubMed 10521299; PubMed 21208904; PubMed 21412926; PubMed 22814326; PubMed 23154773; PubMed 24123847; PubMed 24933152; PubMed 27092963.

NC_000022.11:g.(?_23787170)_(23834262_?)del

Gene: SMARCB1 (SWI/SNF related BAF chromatin remodeling complex subunit B1; plus strand). Cytogenetic location: 22q11.23.
Variant type: Deletion.
Identifiers: ClinVar variation 832495 (VCV000832495.2).